The following is an entry in ClinVar:

ClinVar aggregate classification (germline): Pathogenic (1 of 4 stars; one submission).

Submission:

Labcorp Genetics (formerly Invitae), Labcorp
Classification: Pathogenic. Last evaluated: 2020-08-31. Review status: criteria provided, single submitter. Criteria: Invitae Variant Classification Sherloc (09022015). Collection method: clinical testing. Allele origin: germline.
Comment: This sequence change creates a premature translational stop signal (p.Gly462Alafs*167) in the COL2A1 gene. It is expected to result in an absent or disrupted protein product. This variant is not present in population databases (ExAC no frequency). This variant has not been reported in the literature in individuals with COL2A1-related conditions. Loss-of-function variants in COL2A1 are known to be pathogenic (PMID: 20179744). For these reasons, this variant has been classified as Pathogenic.

Literature cited by the submitters: PubMed 20179744.

NM_001844.5(COL2A1):c.1385del (p.Gly462fs)

Gene: COL2A1 (collagen type II alpha 1 chain; minus strand). Cytogenetic location: 12q13.11.
Variant type: Deletion.
Coding change: c.1385del on transcript NM_001844.5 (MANE Select); coding-DNA position 1385, one base deleted (G; older notation c.1385delG).
Protein change: p.Gly462fs; shifts the reading frame from glycine 462.
Molecular consequence: frameshift variant.
Genome position (GRCh38, 1-based): chr12:47,986,869, C deleted on the plus strand (G on the coding strand, the reverse complement: COL2A1 is on the minus strand); the first of 2 consecutive C bases (chr12:47,986,869-47,986,870); deleting either gives the same sequence. VCF-style (leftmost placement, unchanged base first): chr12-47986868-GC-G. GRCh37 (hg19) VCF-style: chr12-48380651-GC-G.
Other names: c.1178del, p.Gly393fs (NM_033150.3); short protein forms G393fs, G462fs.
Identifiers: ClinVar variation 1069981 (VCV001069981.9), dbSNP rs2136574120, ClinGen allele CA2499221675.